The following is an entry in ClinVar:

ClinVar aggregate classification (germline): Uncertain significance (1 of 4 stars; one submission).

Conditions:
Familial cold autoinflammatory syndrome 2 (FCAS2). Identifiers: Orphanet 247868, MedGen C2673198, MONDO:0012724, OMIM 611762.

gnomAD v4.1: 2 of 1,613,548 alleles (0.00012%); highest among the groups gnomAD compares: Non-Finnish European, 0.000085%; no homozygotes.

Submission:

Labcorp Genetics (formerly Invitae), Labcorp
Classification: Uncertain significance for Familial cold autoinflammatory syndrome 2. Last evaluated: 2024-07-06. Review status: criteria provided, single submitter. Criteria: Invitae Variant Classification Sherloc (09022015). Collection method: clinical testing. Allele origin: germline.
Comment: This sequence change replaces valine, which is neutral and non-polar, with alanine, which is neutral and non-polar, at codon 434 of the NLRP12 protein (p.Val434Ala). This variant is not present in population databases (gnomAD no frequency). This variant has not been reported in the literature in individuals affected with NLRP12-related conditions. Advanced modeling of protein sequence and biophysical properties (such as structural, functional, and spatial information, amino acid conservation, physicochemical variation, residue mobility, and thermodynamic stability) performed at Invitae indicates that this missense variant is expected to disrupt NLRP12 protein function with a positive predictive value of 80%. In summary, the available evidence is currently insufficient to determine the role of this variant in disease. Therefore, it has been classified as a Variant of Uncertain Significance.

NM_144687.4(NLRP12):c.1301T>C (p.Val434Ala)

Gene: NLRP12 (NLR family pyrin domain containing 12; minus strand). Cytogenetic location: 19q13.42.
Variant type: single nucleotide variant.
Coding change: c.1301T>C on transcript NM_144687.4 (MANE Select); coding-DNA position 1301, T replaced by C.
Protein change: p.Val434Ala; replaces valine 434 with alanine.
Molecular consequence: missense variant.
Genome position (GRCh38, 1-based): chr19:53,810,358, A>G on the plus strand (T>C on the coding strand, the complement: NLRP12 is on the minus strand). VCF-style: chr19-53810358-A-G. GRCh37 (hg19) VCF-style: chr19-54313612-A-G.
Other names: c.1301T>C, p.Val434Ala (NM_001277126.2, NM_001277129.1); short protein forms V434A.
Identifiers: ClinVar variation 3683318 (VCV003683318.2).